The following is an entry in ClinVar:

NM_001130438.3(SPTAN1):c.2348C>A (p.Ser783Tyr)

Gene: SPTAN1 (spectrin alpha, non-erythrocytic 1; plus strand). Cytogenetic location: 9q34.11.
Variant type: single nucleotide variant.
Coding change: c.2348C>A on transcript NM_001130438.3 (MANE Select); coding-DNA position 2348, C replaced by A.
Protein change: p.Ser783Tyr; replaces serine 783 with tyrosine.
Molecular consequence: missense variant.
Genome position (GRCh38, 1-based): chr9:128,584,436, C>A. VCF-style: chr9-128584436-C-A. GRCh37 (hg19) VCF-style: chr9-131346715-C-A.
Other names: c.2348C>A, p.Ser783Tyr (NM_001195532.2, NM_001363759.2, NM_001363765.2 and 5 more transcripts); c.2384C>A, p.Ser795Tyr (NM_001375312.2, NM_001375318.1); short protein forms S783Y, S795Y.
Identifiers: ClinVar variation 1720727 (VCV001720727.5), dbSNP rs868382326, ClinGen allele CA200381192.
Genomic context (GRCh38, chr9:128,584,436, plus strand): 5'-TGGCTCGCTATGAGGCACTCAAGGAGCCCATGGTTGCCCGGAAGCAGAAGCTGGCCGATT[C>A]TCTGCGGTTGCAGCAGCTCTTCCGGGATGTTGAGGATGAGGAGACGTGGATTCGAGAGAA-3'
Protein context (NP_001123910.1, residues 773-793): MVARKQKLAD[Ser783Tyr]LRLQQLFRDV

ClinVar aggregate classification (germline): Uncertain significance (1 of 4 stars; one submission).

Conditions:
Early-infantile DEE. Also called: Early infantile epileptic encephalopathy with suppression bursts; Early infantile epileptic encephalopathy; Ohtahara syndrome. Identifiers: Orphanet 1934, MedGen C0393706, MONDO:0800491.

gnomAD v4.1: 1 of 1,614,174 alleles (0.000062%); highest among the groups gnomAD compares: South Asian, 0.0011%; no homozygotes.

Submission:

Labcorp Genetics (formerly Invitae), Labcorp
Classification: Uncertain significance for Early-infantile DEE. Last evaluated: 2022-09-30. Review status: criteria provided, single submitter. Criteria: Invitae Variant Classification Sherloc (09022015). Collection method: clinical testing. Allele origin: germline.
Comment: This variant has not been reported in the literature in individuals affected with SPTAN1-related conditions. In summary, the available evidence is currently insufficient to determine the role of this variant in disease. Therefore, it has been classified as a Variant of Uncertain Significance. Algorithms developed to predict the effect of missense changes on protein structure and function (SIFT, PolyPhen-2, Align-GVGD) all suggest that this variant is likely to be disruptive. This variant is present in population databases (no rsID available, gnomAD 0.003%). This sequence change replaces serine, which is neutral and polar, with tyrosine, which is neutral and polar, at codon 783 of the SPTAN1 protein (p.Ser783Tyr).